The following is an entry in ClinVar:

ClinVar aggregate classification (germline): Uncertain significance (1 of 4 stars; one submission).

Conditions:
Surfactant metabolism dysfunction, pulmonary, 4 (SMDP4). Also called: PULMONARY ALVEOLAR PROTEINOSIS, CONGENITAL, 4; PAP DUE TO CSF2RA DEFICIENCY; CSF2RA DEFICIENCY. Identifiers: Orphanet 264675, MedGen C2677877, MONDO:0010424, OMIM 300770.

Allele frequency attached by ClinVar (database versions not stated): gnomAD exomes 0.00001 and 0.00005; ExAC 0.00007; gnomAD 0.00016; TOPMed 0.00017; 1000 Genomes Project 30x 0.00021; ESP Exome Variant Server 0.00031; 1000 Genomes Project 0.00053.
gnomAD v4.1: 50 of 1,613,794 alleles (0.0031%); highest among the groups gnomAD compares: African/African-American, 0.044%; no homozygotes.

Submission:

Labcorp Genetics (formerly Invitae), Labcorp
Classification: Uncertain significance for Surfactant metabolism dysfunction, pulmonary, 4. Last evaluated: 2022-09-07. Review status: criteria provided, single submitter. Criteria: Invitae Variant Classification Sherloc (09022015). Collection method: clinical testing. Allele origin: germline.
Comment: This sequence change falls in intron 8 of the CSF2RA gene. It does not directly change the encoded amino acid sequence of the CSF2RA protein. It affects a nucleotide within the consensus splice site. This variant is present in population databases (no rsID available, gnomAD 0.05%). This variant has not been reported in the literature in individuals affected with CSF2RA-related conditions. ClinVar contains an entry for this variant (Variation ID: 1043764). Variants that disrupt the consensus splice site are a relatively common cause of aberrant splicing (PMID: 17576681, 9536098). Algorithms developed to predict the effect of sequence changes on RNA splicing suggest that this variant is not likely to affect RNA splicing. In summary, the available evidence is currently insufficient to determine the role of this variant in disease. Therefore, it has been classified as a Variant of Uncertain Significance.

Literature cited by the submitters: PubMed 17576681; PubMed 9536098.

NM_172245.4(CSF2RA):c.780+3C>T

Gene: CSF2RA (colony stimulating factor 2 receptor subunit alpha; plus strand). Cytogenetic location: Xp22.33.
Variant type: single nucleotide variant.
Coding change: c.780+3C>T on transcript NM_172245.4 (MANE Select); 3 bases into the intron after coding-DNA position 780, C replaced by T.
Molecular consequence: intron variant.
Genome position (GRCh38, 1-based): chrX:1,294,464, C>T. VCF-style: chrX-1294464-C-T. GRCh37 (hg19) VCF-style: chrX-1413357-C-T.
Other names: c.780+3C>T (NM_001379163.1, NM_001379159.1, NM_001379162.1 and 18 more transcripts); c.646+3955C>T (NM_172249.4); c.761+3C>T (NM_001379166.1); c.381+3C>T (NM_001161532.2).
Identifiers: ClinVar variation 1043764 (VCV001043764.4), dbSNP rs368467031, ClinGen allele CA10330974.